The following is an entry in ClinVar:

NM_181882.3(PRX):c.307G>A (p.Gly103Arg)

Gene: PRX (periaxin; minus strand). Cytogenetic location: 19q13.2.
Variant type: single nucleotide variant.
Coding change: c.307G>A on transcript NM_181882.3 (MANE Select); coding-DNA position 307, G replaced by A.
Protein change: p.Gly103Arg; replaces glycine 103 with arginine.
Molecular consequence: missense variant.
Genome position (GRCh38, 1-based): chr19:40,398,694, C>T on the plus strand (G>A on the coding strand, the complement: PRX is on the minus strand). VCF-style: chr19-40398694-C-T. GRCh37 (hg19) VCF-style: chr19-40904601-C-T.
Other names: c.307G>A, p.Gly103Arg (NM_020956.2); short protein forms G103R.
Identifiers: ClinVar variation 1361542 (VCV001361542.3), dbSNP rs754510516, ClinGen allele CA9444511.

ClinVar aggregate classification (germline): Uncertain significance (1 of 4 stars; one submission).

Conditions:
Charcot-Marie-Tooth disease type 4. Also called: Charcot-Marie-Tooth disease, type IV; Charcot-Marie-Tooth, Type 4. Identifiers: Orphanet 64749, MedGen C4082197, MONDO:0018995.

Allele frequency attached by ClinVar (database versions not stated): gnomAD exomes below 0.00001 and 0.00001; gnomAD 0.00001; ExAC 0.00002; TOPMed 0.00003.

Submission:

Labcorp Genetics (formerly Invitae), Labcorp
Classification: Uncertain significance for Charcot-Marie-Tooth disease type 4. Last evaluated: 2021-12-09. Review status: criteria provided, single submitter. Criteria: Invitae Variant Classification Sherloc (09022015). Collection method: clinical testing. Allele origin: germline.
Comment: This sequence change replaces glycine, which is neutral and non-polar, with arginine, which is basic and polar, at codon 103 of the PRX protein (p.Gly103Arg). This variant is present in population databases (rs754510516, gnomAD 0.01%). This variant has not been reported in the literature in individuals affected with PRX-related conditions. Algorithms developed to predict the effect of missense changes on protein structure and function are either unavailable or do not agree on the potential impact of this missense change (SIFT: "Deleterious"; PolyPhen-2: "Probably Damaging"; Align-GVGD: "Class C15"). Algorithms developed to predict the effect of sequence changes on RNA splicing suggest that this variant may create or strengthen a splice site. In summary, the available evidence is currently insufficient to determine the role of this variant in disease. Therefore, it has been classified as a Variant of Uncertain Significance.